The following is an entry in ClinVar:

NM_014043.4(CHMP2B):c.364T>C (p.Leu122=)

Gene: CHMP2B (charged multivesicular body protein 2B; plus strand). Cytogenetic location: 3p11.2.
Variant type: single nucleotide variant.
Coding change: c.364T>C on transcript NM_014043.4 (MANE Select); coding-DNA position 364, T replaced by C.
Protein change: p.Leu122=; no amino-acid change (leucine 122 retained).
Molecular consequence: synonymous variant.
Genome position (GRCh38, 1-based): chr3:87,249,917, T>C. VCF-style: chr3-87249917-T-C. GRCh37 (hg19) VCF-style: chr3-87299067-T-C.
Other names: c.241T>C, p.Leu81= (NM_001244644.2).
Identifiers: ClinVar variation 346807 (VCV000346807.25), dbSNP rs189313287, ClinGen allele CA2500973.

ClinVar aggregate classification (germline): Benign/Likely benign. Review status: criteria provided, multiple submitters, no conflicts (2 of 4 stars). 3 submissions from 3 submitters: Benign (1); Likely benign (2). Last evaluated 2025-10-01.

Conditions:
Frontotemporal dementia and/or amyotrophic lateral sclerosis 7 (FTDALS7). Also called: CHMP2B-related frontotemporal dementia; AMYOTROPHIC LATERAL SCLEROSIS, CHMP2B-RELATED; Amyotrophic lateral sclerosis 17; CHMP2B-Related Frontotemporal Dementia-Amyotrophic Lateral Sclerosis. Identifiers: Orphanet 275864, Orphanet 282, Orphanet 803, MedGen C1833296, MONDO:0010936, OMIM 600795.

Allele frequency attached by ClinVar (database versions not stated): ESP Exome Variant Server 0.00008; ExAC 0.00011; gnomAD exomes 0.00014 and 0.00029; gnomAD 0.00029 and 0.00030; 1000 Genomes Project 30x 0.00062; 1000 Genomes Project 0.00040; TOPMed 0.00042.

Submissions (3):

Labcorp Genetics (formerly Invitae), Labcorp
Classification: Likely benign for Frontotemporal dementia and/or amyotrophic lateral sclerosis 7. Last evaluated: 2025-10-01. Review status: criteria provided, single submitter. Criteria: Invitae Variant Classification Sherloc (09022015). Collection method: clinical testing. Allele origin: germline.

CeGaT Center for Human Genetics Tuebingen
Classification: Likely benign. Last evaluated: 2025-02-01. Review status: criteria provided, single submitter. Criteria: CeGaT Center For Human Genetics Tuebingen Variant Classification Criteria Version 2. Collection method: clinical testing. Allele origin: germline. Affected: yes. Observed: 1 variant allele.
Comment: CHMP2B: BP4, BP7

Illumina Laboratory Services, Illumina
Classification: Benign for Frontotemporal dementia and/or amyotrophic lateral sclerosis 7. Last evaluated: 2018-01-13. Review status: criteria provided, single submitter. Criteria: ICSL Variant Classification Criteria 13 December 2019. Collection method: clinical testing. Allele origin: germline.
Comment: This variant was observed in the ICSL laboratory as part of a predisposition screen in an ostensibly healthy population. It had not been previously curated by ICSL or reported in the Human Gene Mutation Database (HGMD: prior to June 1st, 2018), and was therefore a candidate for classification through an automated scoring system. Utilizing variant allele frequency, disease prevalence and penetrance estimates, and inheritance mode, an automated score was calculated to assess if this variant is too frequent to cause the disease. Based on the score and internal cut-off values, a variant classified as benign is not then subjected to further curation. The score for this variant resulted in a classification of benign for this disease.